The following is an entry in ClinVar:

ClinVar aggregate classification (germline): Conflicting classifications of pathogenicity. Review status: criteria provided, conflicting classifications (1 of 4 stars). 3 submissions from 3 submitters: Uncertain significance (2); Likely benign (1). Last evaluated 2024-07-10.

Conditions:
Arrhythmogenic cardiomyopathy with wooly hair and keratoderma. Also called: Arrhythmogenic cardiomyopathy with woolly hair and keratoderma; PALMOPLANTAR KERATODERMA WITH LEFT VENTRICULAR CARDIOMYOPATHY AND WOOLLY HAIR; Dilated cardiomyopathy with woolly hair and keratoderma; Carvajal syndrome. Identifiers: Orphanet 65282, MedGen C1854063, MONDO:0011581, OMIM 605676.
Arrhythmogenic right ventricular dysplasia 8 (ARVD8). Also called: Arrhythmogenic Right Ventricular Dysplasia/Cardiomyopathy 8; ARRHYTHMOGENIC RIGHT VENTRICULAR DYSPLASIA, FAMILIAL, 8; ARRHYTHMOGENIC RIGHT VENTRICULAR CARDIOMYOPATHY 8. Identifiers: MedGen C1843896, MONDO:0011831, OMIM 607450.
Cardiomyopathy (CMYO). Also called: Cardiomyopathies. Identifiers: Orphanet 167848, MedGen C0878544, MONDO:0004994, HP:0001638. Inheritance: Various modes of inheritance.

Allele frequency attached by ClinVar (database versions not stated): ExAC 0.00001; TOPMed 0.00001; gnomAD exomes 0.00002.

Submissions (3):

All of Us Research Program, National Institutes of Health
Classification: Uncertain significance for Arrhythmogenic cardiomyopathy with wooly hair and keratoderma. Last evaluated: 2024-07-10. Review status: criteria provided, single submitter. Criteria: ACMG Guidelines, 2015. Collection method: clinical testing. Allele origin: germline. Inheritance: Autosomal dominant inheritance. Observed: 3 variant alleles, 3 heterozygotes.
Comment: This missense variant replaces glutamine with glutamic acid at codon 1979 of the DSP protein. Computational prediction suggests that this variant may not impact protein structure and function (internally defined REVEL score threshold <= 0.5, PMID: 27666373). To our knowledge, functional studies have not been reported for this variant. This variant has not been reported in individuals affected with DSP-related disorders in the literature. This variant has been identified in 5/251400 chromosomes in the general population by the Genome Aggregation Database (gnomAD). The available evidence is insufficient to determine the role of this variant in disease conclusively. Therefore, this variant is classified as a Variant of Uncertain Significance.

This study involves interpretation of variants in research participants for the purpose of population health screening. Participant phenotype was not available at the time of variant classification. Additional details can be found in publication PMID: 35346344, PMCID: PMC8962531

Labcorp Genetics (formerly Invitae), Labcorp
Classification: Likely benign for Arrhythmogenic cardiomyopathy with wooly hair and keratoderma; Arrhythmogenic right ventricular dysplasia 8. Last evaluated: 2024-07-03. Review status: criteria provided, single submitter. Criteria: Invitae Variant Classification Sherloc (09022015). Collection method: clinical testing. Allele origin: germline.

Color Diagnostics, LLC DBA Color Health
Classification: Uncertain significance for Cardiomyopathy. Last evaluated: 2024-02-13. Review status: criteria provided, single submitter. Criteria: ACMG Guidelines, 2015. Collection method: clinical testing. Allele origin: germline.
Comment: This missense variant replaces glutamine with glutamic acid at codon 1979 of the DSP protein. Computational prediction tools indicate that this variant has a neutral impact on protein structure and function. To our knowledge, functional studies have not been reported for this variant. This variant has not been reported in individuals affected with DSP-related disorders in the literature. This variant has been identified in 5/251400 chromosomes in the general population by the Genome Aggregation Database (gnomAD). The available evidence is insufficient to determine the role of this variant in disease conclusively. Therefore, this variant is classified as a Variant of Uncertain Significance.

NM_004415.4(DSP):c.5935C>G (p.Gln1979Glu)

Gene: DSP (desmoplakin; plus strand). Cytogenetic location: 6p24.3.
Variant type: single nucleotide variant.
Coding change: c.5935C>G on transcript NM_004415.4 (MANE Select); coding-DNA position 5935, C replaced by G.
Protein change: p.Gln1979Glu; replaces glutamine 1979 with glutamic acid.
Molecular consequence: missense variant.
Genome position (GRCh38, 1-based): chr6:7,583,197, C>G. VCF-style: chr6-7583197-C-G. GRCh37 (hg19) VCF-style: chr6-7583430-C-G.
Other names: c.4138C>G, p.Gln1380Glu (NM_001008844.3); c.4606C>G, p.Gln1536Glu (NM_001319034.2); short protein forms Q1380E, Q1979E, Q1536E.
Identifiers: ClinVar variation 1482384 (VCV001482384.9), dbSNP rs773436512, ClinGen allele CA046100.
Genomic context (GRCh38, chr6:7,583,197, plus strand): 5'-TGGACCGTTGACACCTCCAAGCTGGTGTTTGATGGGCTGAGGAAGAAGGTGACAGCAATG[C>G]AGCTCTATGAGTGTCAGCTGATCGACAAAACAACCTTGGACAAACTATTGAAGGGGAAGA-3'
Protein context (NP_004406.2, residues 1969-1989): DGLRKKVTAM[Gln1979Glu]LYECQLIDKT